The following is an entry in ClinVar:

NM_001354930.2(RIPK1):c.1685C>T (p.Thr562Met)

Gene: RIPK1 (receptor interacting serine/threonine kinase 1; plus strand). Cytogenetic location: 6p25.2.
Variant type: single nucleotide variant.
Coding change: c.1685C>T on transcript NM_001354930.2 (MANE Select); coding-DNA position 1685, C replaced by T.
Protein change: p.Thr562Met; replaces threonine 562 with methionine.
Molecular consequence: missense variant.
Genome position (GRCh38, 1-based): chr6:3,110,911, C>T. VCF-style: chr6-3110911-C-T. GRCh37 (hg19) VCF-style: chr6-3111145-C-T.
Other names: c.1196C>T, p.Thr399Met (NM_001317061.3, NM_001354932.2, NM_001354933.2 and 1 more transcripts); c.1547C>T, p.Thr516Met (NM_001354931.2); c.1685C>T, p.Thr562Met (NM_003804.6); short protein forms T399M, T562M, T516M.
Identifiers: ClinVar variation 1440620 (VCV001440620.6), dbSNP rs367576973, ClinGen allele CA3618486.
Genomic context (GRCh38, chr6:3,110,911, plus strand): 5'-GAGCCTACAATTATATGGAGATTGGTGGGACGAGTTCATCACTACTAGACAGCACAAATA[C>T]GAACTTCAAAGAAGAGCCAGCTGCTAAGTACCAAGCTATCTTTGGTAAGATACCCTGGAA-3'
Protein context (NP_001341859.1, residues 552-572): TSSSLLDSTN[Thr562Met]NFKEEPAAKY

ClinVar aggregate classification (germline): Uncertain significance (1 of 4 stars; one submission).

Allele frequency attached by ClinVar (database versions not stated): gnomAD exomes 0.00004 and 0.00011; gnomAD 0.00006; ExAC 0.00007; TOPMed 0.00007; ESP Exome Variant Server 0.00031.
gnomAD v4.1: 162 of 1,613,088 alleles (0.01%); highest among the groups gnomAD compares: Non-Finnish European, 0.013%; no homozygotes.

Submission:

Labcorp Genetics (formerly Invitae), Labcorp
Classification: Uncertain significance. Last evaluated: 2025-10-23. Review status: criteria provided, single submitter. Criteria: Invitae Variant Classification Sherloc (09022015). Collection method: clinical testing. Allele origin: germline.
Comment: This sequence change replaces threonine, which is neutral and polar, with methionine, which is neutral and non-polar, at codon 562 of the RIPK1 protein (p.Thr562Met). This variant is present in population databases (rs367576973, gnomAD 0.009%). This variant has not been reported in the literature in individuals affected with RIPK1-related conditions. ClinVar contains an entry for this variant (Variation ID: 1440620). An algorithm developed to predict the effect of missense changes on protein structure and function outputs the following: PolyPhen-2: "Benign". The methionine amino acid residue is found in multiple mammalian species, which suggests that this missense change does not adversely affect protein function. In summary, the available evidence is currently insufficient to determine the role of this variant in disease. Therefore, it has been classified as a Variant of Uncertain Significance.